The following is an entry in ClinVar:

ClinVar aggregate classification (germline): Uncertain significance (1 of 4 stars; one submission).

Allele frequency attached by ClinVar (database versions not stated): ExAC 0.00001; gnomAD 0.00001; gnomAD exomes 0.00001; TOPMed 0.00003.
gnomAD v4.1: 18 of 1,613,960 alleles (0.0011%); highest among the groups gnomAD compares: South Asian, 0.0033%; no homozygotes.

Submission:

Labcorp Genetics (formerly Invitae), Labcorp
Classification: Uncertain significance. Last evaluated: 2024-04-22. Review status: criteria provided, single submitter. Criteria: Invitae Variant Classification Sherloc (09022015). Collection method: clinical testing. Allele origin: germline.
Comment: This sequence change replaces arginine, which is basic and polar, with glutamine, which is neutral and polar, at codon 560 of the MECOM protein (p.Arg560Gln). This variant is present in population databases (rs755819303, gnomAD 0.003%). This variant has not been reported in the literature in individuals affected with MECOM-related conditions. An algorithm developed to predict the effect of missense changes on protein structure and function (PolyPhen-2) suggests that this variant is likely to be tolerated. In summary, the available evidence is currently insufficient to determine the role of this variant in disease. Therefore, it has been classified as a Variant of Uncertain Significance.

NM_004991.4(MECOM):c.2243G>A (p.Arg748Gln)

Gene: MECOM (MDS1 and EVI1 complex locus; minus strand). Cytogenetic location: 3q26.2.
Variant type: single nucleotide variant.
Coding change: c.2243G>A on transcript NM_004991.4 (MANE Select); coding-DNA position 2243, G replaced by A.
Protein change: p.Arg748Gln; replaces arginine 748 with glutamine.
Molecular consequence: missense variant.
Genome position (GRCh38, 1-based): chr3:169,115,629, C>T on the plus strand (G>A on the coding strand, the complement: MECOM is on the minus strand). VCF-style: chr3-169115629-C-T. GRCh37 (hg19) VCF-style: chr3-168833417-C-T.
Other names: c.1874G>A, p.Arg625Gln (NM_001105077.4); c.1679G>A, p.Arg560Gln (NM_001105078.4, NM_001164000.2, NM_001205194.2 and 4 more transcripts); c.1682G>A, p.Arg561Gln (NM_001163999.2, NM_001366467.2, NM_001366468.2 and 1 more transcripts); c.2243G>A, p.Arg748Gln (NM_001366466.2); c.1271G>A, p.Arg424Gln (NM_001366473.2); c.707G>A, p.Arg236Gln (NM_001366474.2); short protein forms R236Q, R561Q, R625Q, R748Q, R424Q, R560Q.
Identifiers: ClinVar variation 2876912 (VCV002876912.3), dbSNP rs755819303, ClinGen allele CA2696220.
Genomic context (GRCh38, chr3:169,115,629, plus strand): 5'-CTTGTGGCAGGTGTCACTGGAGGCTTGGAGGGGACTGGAGTCAAGGGCTTCTCATCCTTT[C>T]GCTTAGTGGTGAGATCAAAGGGGGACTCAGAGCTGCCCTTCTGCAGTTTCTTTACTTCAC-3'
Protein context (NP_004982.2, residues 738-758): SESPFDLTTK[Arg748Gln]KDEKPLTPVP